The following is an entry in ClinVar:

ClinVar aggregate classification (germline): Uncertain significance. Review status: criteria provided, multiple submitters, no conflicts (2 of 4 stars). 7 submissions from 5 submitters: Uncertain significance (7). Last evaluated 2025-09-02.

Conditions:
Autosomal recessive limb-girdle muscular dystrophy. Identifiers: Orphanet 102015, MedGen C2931907, MONDO:0015152.
Inborn genetic diseases. Identifiers: MedGen C0950123, MeSH D030342.
Neuromuscular disease caused by qualitative or quantitative defects of dysferlin. Also called: Dysferlinopathy; Qualitative or quantitative defects of dysferlin. Identifiers: Orphanet 207073, MedGen C2931687, MONDO:0016145.
Distal myopathy with anterior tibial onset. Identifiers: Orphanet 178400, MedGen C1847532, MONDO:0011721, OMIM 606768.
Autosomal recessive limb-girdle muscular dystrophy type 2B (LGMDR2). Also called: MUSCULAR DYSTROPHY, LIMB-GIRDLE, AUTOSOMAL RECESSIVE 2; Limb-girdle muscular dystrophy, type 2B; MUSCULAR DYSTROPHY, LIMB-GIRDLE, TYPE 3; Limb-Girdle Muscular Dystrophy Type 2B (LGMD2B). Identifiers: Orphanet 268, MedGen C1850889, MONDO:0009676, OMIM 253601.
Miyoshi muscular dystrophy 1 (MMD1). Identifiers: Orphanet 45448, MedGen C4551973, MONDO:0024545, OMIM 254130.

Allele frequency attached by ClinVar (database versions not stated): TOPMed 0.00001.
gnomAD v4.1: 32 of 1,551,284 alleles (0.0021%); highest among the groups gnomAD compares: Middle Eastern, 0.051%; no homozygotes.

Submissions (7):

Myriad Genetics, Inc.
Classification: Uncertain significance for Autosomal recessive limb-girdle muscular dystrophy. Last evaluated: 2025-09-02. Review status: criteria provided, single submitter. Criteria: Myriad Autosomal Dominant, Autosomal Recessive and X-Linked Classification Criteria (2023). Collection method: clinical testing. Allele origin: unknown.
Comment: NM_003494.3(DYSF):c.428C>T(P143L) is a missense variant classified as a variant of uncertain significance in the context of dysferlinopathy. P143L has not been observed in cases with relevant disease. Relevant functional assessments of this variant are not available in the literature. P143L has been observed in referenced population frequency databases. In summary, there is insufficient evidence to classify NM_003494.3(DYSF):c.428C>T(P143L) as pathogenic or benign. Please note: this variant was assessed in the context of healthy population screening.

Ambry Genetics
Classification: Uncertain significance for Inborn genetic diseases. Last evaluated: 2025-08-09. Review status: criteria provided, single submitter. Criteria: Ambry Variant Classification Scheme 2023. Collection method: clinical testing. Allele origin: germline.

Labcorp Genetics (formerly Invitae), Labcorp
Classification: Uncertain significance for Neuromuscular disease caused by qualitative or quantitative defects of dysferlin. Last evaluated: 2022-06-20. Review status: criteria provided, single submitter. Criteria: Invitae Variant Classification Sherloc (09022015). Collection method: clinical testing. Allele origin: germline.
Comment: This sequence change replaces proline, which is neutral and non-polar, with leucine, which is neutral and non-polar, at codon 143 of the DYSF protein (p.Pro143Leu). The frequency data for this variant in the population databases is considered unreliable, as metrics indicate poor data quality at this position in the gnomAD database. This variant has not been reported in the literature in individuals affected with DYSF-related conditions. ClinVar contains an entry for this variant (Variation ID: 897270). Advanced modeling of protein sequence and biophysical properties (such as structural, functional, and spatial information, amino acid conservation, physicochemical variation, residue mobility, and thermodynamic stability) performed at Invitae indicates that this missense variant is not expected to disrupt DYSF protein function. In summary, the available evidence is currently insufficient to determine the role of this variant in disease. Therefore, it has been classified as a Variant of Uncertain Significance.

Genome-Nilou Lab
Classification: Uncertain significance for Miyoshi muscular dystrophy 1. Last evaluated: 2021-07-14. Review status: criteria provided, single submitter. Criteria: ACMG Guidelines, 2015. Collection method: clinical testing. Allele origin: germline. Affected: no.

Genome-Nilou Lab
Classification: Uncertain significance for Autosomal recessive limb-girdle muscular dystrophy type 2B. Last evaluated: 2021-07-14. Review status: criteria provided, single submitter. Criteria: ACMG Guidelines, 2015. Collection method: clinical testing. Allele origin: germline. Affected: no.

Genome-Nilou Lab
Classification: Uncertain significance for Distal myopathy with anterior tibial onset. Last evaluated: 2021-07-14. Review status: criteria provided, single submitter. Criteria: ACMG Guidelines, 2015. Collection method: clinical testing. Allele origin: germline. Affected: no.

Illumina Laboratory Services, Illumina
Classification: Uncertain significance for Qualitative or quantitative defects of dysferlin. Last evaluated: 2018-01-12. Review status: criteria provided, single submitter. Criteria: ICSL Variant Classification Criteria 13 December 2019. Collection method: clinical testing. Allele origin: germline.

NM_001130987.2(DYSF):c.431C>T (p.Pro144Leu)

Gene: DYSF (dysferlin; plus strand). Cytogenetic location: 2p13.2.
Variant type: single nucleotide variant.
Coding change: c.431C>T on transcript NM_001130987.2 (MANE Select); coding-DNA position 431, C replaced by T.
Protein change: p.Pro144Leu; replaces proline 144 with leucine.
Molecular consequence: missense variant.
Genome position (GRCh38, 1-based): chr2:71,511,892, C>T. VCF-style: chr2-71511892-C-T. GRCh37 (hg19) VCF-style: chr2-71739022-C-T.
Other names: c.431C>T, p.Pro144Leu (NM_001130455.2, NM_001130982.2, NM_001130983.2 and 3 more transcripts); c.428C>T, p.Pro143Leu (NM_001130976.2, NM_001130977.2, NM_001130978.2 and 4 more transcripts); short protein forms P143L, P144L.
Identifiers: ClinVar variation 897270 (VCV000897270.10), dbSNP rs139654844, ClinGen allele CA49756552.